The following is an entry in ClinVar:

ClinVar aggregate classification (germline): Pathogenic/Likely pathogenic. Review status: criteria provided, multiple submitters, no conflicts (2 of 4 stars). 8 submissions from 8 submitters: Pathogenic (5); Likely pathogenic (1). 2 of the submissions do not count toward it. Last evaluated 2025-10-02.

Conditions:
RBM20-related disorder. Also called: RBM20-related condition.
Cardiovascular phenotype. Identifiers: MedGen CN230736.
Primary dilated cardiomyopathy (DCM). Also called: Dilated Cardiomyopathy. Identifiers: Orphanet 217604, MedGen C0007193, MeSH D002311, MONDO:0005021, HP:0001644. Inheritance: Various modes of inheritance.
Dilated cardiomyopathy 1DD (CMD1DD). Identifiers: Orphanet 154, MedGen C2750995, MONDO:0013168, OMIM 613172.

Allele frequency attached by ClinVar (database versions not stated): gnomAD exomes below 0.00001; TOPMed below 0.00001; gnomAD 0.00001.
gnomAD v4.1: 3 of 1,549,338 alleles (0.00019%); highest among the groups gnomAD compares: Non-Finnish European, 0.00026%; no homozygotes.

Submissions (8):

Labcorp Genetics (formerly Invitae), Labcorp
Classification: Pathogenic for Dilated cardiomyopathy 1DD. Last evaluated: 2025-10-02. Review status: criteria provided, single submitter. Criteria: Invitae Variant Classification Sherloc (09022015). Collection method: clinical testing. Allele origin: germline.
Comment: This sequence change replaces arginine, which is basic and polar, with cysteine, which is neutral and slightly polar, at codon 636 of the RBM20 protein (p.Arg636Cys). This variant is not present in population databases (gnomAD no frequency). This missense change has been observed in individuals with clinical features of RBM20-related conditions and/or dilated cardiomyopathy (PMID: 20590677, 21483645, 31317183, 31737537; internal data). ClinVar contains an entry for this variant (Variation ID: 43980). Invitae Evidence Modeling of protein sequence and biophysical properties (such as structural, functional, and spatial information, amino acid conservation, physicochemical variation, residue mobility, and thermodynamic stability) has been performed for this missense variant. However, the output from this modeling did not meet the statistical confidence thresholds required to predict the impact of this variant on RBM20 protein function. Experimental studies have shown that this missense change affects RBM20 function (PMID: 30262925). This variant disrupts the p.Arg636 amino acid residue in RBM20. Other variant(s) that disrupt this residue have been determined to be pathogenic (PMID: 19712804, 22466703, 23861363). This suggests that this residue is clinically significant, and that variants that disrupt this residue are likely to be disease-causing. For these reasons, this variant has been classified as Pathogenic.

Dasa
Classification: Likely pathogenic. Last evaluated: 2024-06-13. Review status: criteria provided, single submitter. Criteria: DASA Assertion Criteria. Collection method: clinical testing. Allele origin: germline.
Comment: NM_001134363.3(RBM20):c.1906C>T (p.Arg636Cys) is a missense variant that results in the substitution of arginine with cysteine. The affected residue or protein region has prior evidence supporting clinical relevance. This variant has been reported in individuals with RBM20-related disorders. Segregation data support an association with disease in the reported family/families. Also, this variant is rare in population databases. Computational evidence supports a deleterious effect. Based on the currently available evidence, this variant is classified as likely pathogenic.

Ambry Genetics
Classification: Pathogenic for Cardiovascular phenotype. Last evaluated: 2023-10-25. Review status: criteria provided, single submitter. Criteria: Ambry Variant Classification Scheme 2023. Collection method: clinical testing. Allele origin: germline.
Comment: The p.R636C pathogenic mutation (also known as c.1906C>T), located in coding exon 9 of the RBM20 gene, results from a C to T substitution at nucleotide position 1906. The arginine at codon 636 is replaced by cysteine, an amino acid with highly dissimilar properties. This variant has been reported in probands with dilated cardiomyopathy (DCM), has segregated with disease in two affected individuals in one family, and occurs in a RS-rich hot spot region (Li D et al. Clin Transl Sci. 2010;3:90-7; Minoche AE et al. Genet. Med.. 2019 03;21(3):650-662). One in vitro study reported this alteration to result in abnormal protein localization (Brodehl A et al. Genet. Med. 2018 Sep). Based on internal structural analysis, this variant is predicted to be structurally disruptive (Jang S et al. Nucleic Acids Res. 2019 May;47(9):4663-4683; Ambry internal data). In addition, other alterations involving the same amino acid, p.R636H (c.1907G>A) and p.R636S (c.1906C>A), have been detected in families with DCM (Brauch KM et al. J Am Coll Cardiol. 2009;54:930-41). This amino acid position is highly conserved in available vertebrate species. In addition, this alteration is predicted to be deleterious by in silico analysis. Based on the supporting evidence, this alteration is interpreted as a disease-causing mutation.

Blueprint Genetics
Classification: Pathogenic for RBM20-related disorders. Last evaluated: 2022-07-07. Review status: criteria provided, single submitter. Criteria: ACMG Guidelines, 2015. Collection method: clinical testing. Allele origin: germline. Affected: yes. Observed: 4 variant alleles.

GeneDx
Classification: Pathogenic. Last evaluated: 2021-11-22. Review status: criteria provided, single submitter. Criteria: GeneDx Variant Classification Process June 2021. Collection method: clinical testing. Allele origin: germline. Affected: yes.
Comment: Reported in ClinVar (ClinVar Variant ID# 43980; Landrum et al., 2016); Not observed at significant frequency in large population cohorts (Lek et al., 2016); In silico analysis supports that this missense variant has a deleterious effect on protein structure/function; Published functional studies suggest a damaging effect as this variant may result in a protein trafficking defect (Brodehl et al., 2019); This variant is associated with the following publications: (PMID: 30262925, 21483645, 19712804, 30547036, 32160020, 20590677, 29961767, 30871351, 31317183, 31737537)

Cambridge Genomics Laboratory, East Genomic Laboratory Hub, NHS Genomic Medicine Service
Classification: Pathogenic for Primary dilated cardiomyopathy. Last evaluated: 2019-11-16. Review status: criteria provided, single submitter. Criteria: ACGS Best Practice Guidelines for Variant Classification in Rare Disease 2020. Collection method: clinical testing. Allele origin: germline. Affected: yes. Observed: 1 variant allele.

OMIM
Classification: Pathogenic for CARDIOMYOPATHY, DILATED, 1DD. Last evaluated: 2010-06-01. Review status: no assertion criteria provided. Collection method: literature only. Allele origin: germline. Not counted in ClinVar's aggregate classification.

Laboratory for Molecular Medicine, Mass General Brigham Personalized Medicine
Classification: Uncertain significance. Last evaluated: 2017-12-29. Review status: flagged submission. Criteria: LMM Criteria. Collection method: clinical testing. Allele origin: germline. Observed: 1 variant allele. Not counted in ClinVar's aggregate classification.
Comment: Variant classified as Uncertain Significance - Favor Pathogenic. The p.Arg636Cys variant in RBM20 has been identified in 2 individuals with DCM and segregated w ith disease in 1 affected relative (Li 2010, LMM data). This variant was absent from large population databases; however, this frequency information may be unre liable as metrics indicate poor data quality at this position. This variant has also been reported in ClinVar (Variation ID: 43980). This variant lies within ex on 9, which encodes a conserved protein domain where other pathogenic variants h ave been reported (Brauch 2009, Li 2010). In addition, different disease-causing variants involving this amino acid position (p.Arg636His; p.Arg636Ser) have bee n reported in affected individuals, suggesting that the p.Arg636Cys variant may not be tolerated. In summary, while there is some suspicion for a pathogenic rol e, the clinical significance of the p.Arg636Cys variant is uncertain. ACMG/AMP C riteria applied: PS4_Supporting, PM1, PM5.
ClinVar note: Reason: Older and outlier claim with insufficient supporting evidence

Literature cited by the submitters: PubMed 20590677 (cited by 4 submitters); PubMed 21483645 (cited by Labcorp Genetics (formerly Invitae), Labcorp); PubMed 31317183 (cited by Labcorp Genetics (formerly Invitae), Labcorp); PubMed 31737537 (cited by Labcorp Genetics (formerly Invitae), Labcorp); PubMed 30262925 (cited by Labcorp Genetics (formerly Invitae), Labcorp and Ambry Genetics); PubMed 19712804 (cited by 3 submitters); PubMed 22466703 (cited by Labcorp Genetics (formerly Invitae), Labcorp); PubMed 23861363 (cited by Labcorp Genetics (formerly Invitae), Labcorp); PubMed 29892087 (cited by Ambry Genetics); PubMed 29961767 (cited by Ambry Genetics); PubMed 30262924 (cited by Ambry Genetics).

NM_001134363.3(RBM20):c.1906C>T (p.Arg636Cys)

Gene: RBM20 (RNA binding motif protein 20; plus strand). Cytogenetic location: 10q25.2.
Variant type: single nucleotide variant.
Coding change: c.1906C>T on transcript NM_001134363.3 (MANE Select); coding-DNA position 1906, C replaced by T.
Protein change: p.Arg636Cys; replaces arginine 636 with cysteine.
Molecular consequence: missense variant.
Genome position (GRCh38, 1-based): chr10:110,812,303, C>T. VCF-style: chr10-110812303-C-T. GRCh37 (hg19) VCF-style: chr10-112572061-C-T.
Other names: short protein forms R636C.
Identifiers: ClinVar variation 43980 (VCV000043980.23), dbSNP rs267607002, ClinGen allele CA133286.